The following is an entry in ClinVar:

NM_015426.5(POC1A):c.980T>C (p.Leu327Pro)

Gene: POC1A (POC1 centriolar protein A; minus strand). Cytogenetic location: 3p21.2.
Variant type: single nucleotide variant.
Coding change: c.980T>C on transcript NM_015426.5 (MANE Select); coding-DNA position 980, T replaced by C.
Protein change: p.Leu327Pro; replaces leucine 327 with proline.
Molecular consequence: missense variant.
Genome position (GRCh38, 1-based): chr3:52,122,380, A>G on the plus strand (T>C on the coding strand, the complement: POC1A is on the minus strand). VCF-style: chr3-52122380-A-G. GRCh37 (hg19) VCF-style: chr3-52156396-A-G.
Other names: c.980T>C, p.Leu327Pro (NM_001161580.2); c.866T>C, p.Leu289Pro (NM_001161581.2); short protein forms L289P, L327P.
Identifiers: ClinVar variation 1518740 (VCV001518740.5), dbSNP rs539829904, ClinGen allele CA2429444.

ClinVar aggregate classification (germline): Uncertain significance (1 of 4 stars; one submission).

Allele frequency attached by ClinVar (database versions not stated): gnomAD exomes 0.00002 and 0.00012; TOPMed 0.00005; ExAC 0.00010.
gnomAD v4.1: 31 of 1,586,532 alleles (0.002%); highest among the groups gnomAD compares: Admixed American, 0.052%; no homozygotes.

Submission:

Labcorp Genetics (formerly Invitae), Labcorp
Classification: Uncertain significance. Last evaluated: 2022-08-16. Review status: criteria provided, single submitter. Criteria: Invitae Variant Classification Sherloc (09022015). Collection method: clinical testing. Allele origin: germline.
Comment: This sequence change replaces leucine with proline at codon 327 of the POC1A protein (p.Leu327Pro). There is a moderate physicochemical difference between leucine and proline. This variant is present in population databases (rs539829904, gnomAD 0.09%). This variant has not been reported in the literature in individuals affected with POC1A-related conditions. ClinVar contains an entry for this variant (Variation ID: 1518740). Algorithms developed to predict the effect of missense changes on protein structure and function are either unavailable or do not agree on the potential impact of this missense change (SIFT: "Not Available"; PolyPhen-2: "Benign"; Align-GVGD: "Not Available"). In summary, the available evidence is currently insufficient to determine the role of this variant in disease. Therefore, it has been classified as a Variant of Uncertain Significance.